The following is an entry in ClinVar:

GRCh37/hg19 Xp22.33-22.32(chrX:539723-5411986)x0

Genes: ARSD (arylsulfatase D; minus strand), ARSD-AS1 (ARSD antisense RNA 1; plus strand), ARSF (arylsulfatase F; plus strand), ARSH (arylsulfatase family member H; plus strand), ARSL (arylsulfatase L; minus strand) and 4 more. Cytogenetic location: Xp22.33-22.32.
Variant type: copy number loss.
Change: copy number 0 of chrX:539,723-5,411,986 (4.87 Mb, GRCh37 coordinates, 1-based), cytogenetic band Xp22.33-22.32.
Identifiers: ClinVar variation 3391943 (VCV003391943.1).

ClinVar aggregate classification (germline): Pathogenic (1 of 4 stars; one submission).

Submission:

Quest Diagnostics Nichols Institute San Juan Capistrano
Classification: Pathogenic. Last evaluated: 2023-11-25. Review status: criteria provided, single submitter. Criteria: ACMG/ClinGen CNV Guidelines, 2019. Collection method: clinical testing. Allele origin: unknown.
Comment: This deletion involves numerous protein-coding genes, including SHOX (OMIM 312865) and ARSL (OMIM 300180). Haploinsufficiency of SHOX is associated with X-linked dominant Leri-Weill dyschondrosteosis (OMIM 127300; ISCA-25281; Binder 2018, Li 2023, Van Duyvenvoorde 2014). Nullizygous or biallelic variants of ARSL are associated with X-linked recessive chondrodysplasia punctata 1 (OMIM 302950; CCID:006694; Braverman 2020, Willemsen 2012). There are no similar copy number losses of this region in the general populations of the Database of Genomic Variants. Thus, this CNV is classified as pathogenic. References: Binder et al., GeneReviews[Internet].2018 Jun 28. PMID: 20301394; Braverman et al., GeneReviews[Internet]. 2020 Oct 15. PMID: 20301713; Li et al., Genes (Basel). 2023 Jan 4;14(1):140. PMID: 36672881; Van Duyvenvoorde et al., Eur J Hum Genet. 2014 May;22(5):602-9. PMID: 24065112; Willemsen et al., Eur J Med Genet. 2012 Nov;55(11):586-98. PMID: 22796527